The following is an entry in ClinVar:

ClinVar aggregate classification (germline): Likely benign. Review status: criteria provided, multiple submitters, no conflicts (2 of 4 stars). 2 submissions from 2 submitters: Likely benign (2). Last evaluated 2026-02-01.

gnomAD v4.1: 507 of 1,599,422 alleles (0.032%); highest among the groups gnomAD compares: Non-Finnish European, 0.039%; no homozygotes.

Submissions (2):

CeGaT Center for Human Genetics Tuebingen
Classification: Likely benign. Last evaluated: 2026-02-01. Review status: criteria provided, single submitter. Criteria: CeGaT Center For Human Genetics Tuebingen Variant Classification Criteria Version 2. Collection method: clinical testing. Allele origin: germline. Affected: yes. Observed: 3 variant alleles.
Comment: EIF3F: BP4, BP7

Blueprint Genetics
Classification: Likely benign. Last evaluated: 2024-07-23. Review status: criteria provided, single submitter. Criteria: ACMG Guidelines, 2015. Collection method: clinical testing. Allele origin: germline.

NM_003754.3(EIF3F):c.42G>A (p.Thr14=)

Gene: EIF3F (eukaryotic translation initiation factor 3 subunit F; plus strand). Cytogenetic location: 11p15.4.
Variant type: single nucleotide variant.
Coding change: c.42G>A on transcript NM_003754.3 (MANE Select); coding-DNA position 42, G replaced by A.
Protein change: p.Thr14=; no amino-acid change (threonine 14 retained).
Molecular consequence: synonymous variant.
Genome position (GRCh38, 1-based): chr11:7,987,394, G>A. VCF-style: chr11-7987394-G-A. GRCh37 (hg19) VCF-style: chr11-8008941-G-A.
Identifiers: ClinVar variation 4681380 (VCV004681380.6).